The following is an entry in ClinVar:

ClinVar aggregate classification (germline): Likely benign. Review status: criteria provided, multiple submitters, no conflicts (2 of 4 stars). 5 submissions from 5 submitters: Likely benign (3). 2 of the submissions do not count toward it. Last evaluated 2025-07-23.

Conditions:
KCNJ10-related disorder. Also called: KCNJ10-related disorders; KCNJ10-related condition. Identifiers: MedGen CN239321.
EAST syndrome (SESAMES). Also called: SEIZURES, SENSORINEURAL DEAFNESS, ATAXIA, IMPAIRED INTELLECTUAL DEVELOPMENT, AND ELECTROLYTE IMBALANCE. Identifiers: Orphanet 199343, MedGen C2748572, MONDO:0013005, OMIM 612780.

Allele frequency attached by ClinVar (database versions not stated): gnomAD 0.00001 and 0.00002; TOPMed 0.00001; gnomAD exomes 0.00002 and 0.00003; ExAC 0.00004; ESP Exome Variant Server 0.00008; 1000 Genomes Project 0.00020; 1000 Genomes Project 30x 0.00031.

Submissions (5):

Labcorp Genetics (formerly Invitae), Labcorp
Classification: Likely benign for EAST syndrome. Last evaluated: 2025-07-23. Review status: criteria provided, single submitter. Criteria: Invitae Variant Classification Sherloc (09022015). Collection method: clinical testing. Allele origin: germline.

GeneDx
Classification: Likely benign. Last evaluated: 2016-04-13. Review status: criteria provided, single submitter. Criteria: GeneDx Variant Classification (06012015). Collection method: clinical testing. Allele origin: germline. Affected: yes.
Comment: This variant is considered likely benign or benign based on one or more of the following criteria: it is a conservative change, it occurs at a poorly conserved position in the protein, it is predicted to be benign by multiple in silico algorithms, and/or has population frequency not consistent with disease.

Breakthrough Genomics
Classification: Likely benign. Review status: criteria provided, single submitter. Criteria: ACMG Guidelines, 2015. Collection method: not provided. Allele origin: germline. Inheritance: Autosomal recessive inheritance. Affected: yes.

PreventionGenetics, part of Exact Sciences
Classification: Likely benign for KCNJ10-related condition. Last evaluated: 2022-09-08. Review status: no assertion criteria provided. Collection method: clinical testing. Allele origin: germline. Not counted in ClinVar's aggregate classification.
Comment: This variant is classified as likely benign based on ACMG/AMP sequence variant interpretation guidelines (Richards et al. 2015 PMID: 25741868, with internal and published modifications).

Genetic Services Laboratory, University of Chicago
Classification: Likely benign for AllHighlyPenetrant. Review status: no assertion criteria provided. Collection method: clinical testing. Allele origin: germline. Inheritance: Autosomal recessive inheritance. Not counted in ClinVar's aggregate classification.
Comment: Likely benign based on allele frequency in 1000 Genomes Project or ESP global frequency and its presence in a patient with a rare or unrelated disease phenotype. NOT Sanger confirmed.

NM_002241.5(KCNJ10):c.501G>A (p.Ala167=)

Gene: KCNJ10 (potassium inwardly rectifying channel subfamily J member 10; minus strand). Cytogenetic location: 1q23.2.
Variant type: single nucleotide variant.
Coding change: c.501G>A on transcript NM_002241.5 (MANE Select); coding-DNA position 501, G replaced by A.
Protein change: p.Ala167=; no amino-acid change (alanine 167 retained).
Molecular consequence: synonymous variant.
Genome position (GRCh38, 1-based): chr1:160,042,032, C>T on the plus strand (G>A on the coding strand, the complement: KCNJ10 is on the minus strand). VCF-style: chr1-160042032-C-T. GRCh37 (hg19) VCF-style: chr1-160011822-C-T.
Identifiers: ClinVar variation 129315 (VCV000129315.12), dbSNP rs200522826, ClinGen allele CA153264.
Genomic context (GRCh38, chr1:160,042,032, plus strand): 5'-CACAACTGCATGCTGGCTGAAACGAATGGTCTCAGCCCGCTTCTTGGGCCGGGCAATCTT[C>T]GCCAGGAAGGTACCTGTGATGAAGATTTCCAGGATGGTGGTGAGCACCAGCTGGGCAATA-3'
Protein context (NP_002232.2, residues 157-177): LEIFITGTFL[Ala167=]KIARPKKRAE